The following is an entry in ClinVar:

ClinVar aggregate classification (germline): Uncertain significance (1 of 4 stars; one submission).

Conditions:
Ehlers-Danlos syndrome, dermatosparaxis type. Also called: Dermatosparaxis; Ehlers-Danlos syndrome, type VII, autosomal recessive; EDS VIIC. Identifiers: Orphanet 1901, MedGen C2700425, MONDO:0009161, OMIM 225410.

Allele frequency attached by ClinVar (database versions not stated): gnomAD exomes 0.00001.
gnomAD v4.1: 9 of 1,599,720 alleles (0.00056%); highest among the groups gnomAD compares: Non-Finnish European, 0.0006%; no homozygotes.

Submission:

Labcorp Genetics (formerly Invitae), Labcorp
Classification: Uncertain significance for Ehlers-Danlos syndrome, dermatosparaxis type. Last evaluated: 2021-10-11. Review status: criteria provided, single submitter. Criteria: Invitae Variant Classification Sherloc (09022015). Collection method: clinical testing. Allele origin: germline.
Comment: This sequence change replaces glycine with arginine at codon 53 of the ADAMTS2 protein (p.Gly53Arg). The glycine residue is highly conserved and there is a moderate physicochemical difference between glycine and arginine. This variant is not present in population databases (ExAC no frequency). This variant has not been reported in the literature in individuals affected with ADAMTS2-related conditions. Algorithms developed to predict the effect of missense changes on protein structure and function output the following: SIFT: "Tolerated"; PolyPhen-2: "Benign"; Align-GVGD: "Class C0". The arginine amino acid residue is found in multiple mammalian species, which suggests that this missense change does not adversely affect protein function. In summary, the available evidence is currently insufficient to determine the role of this variant in disease. Therefore, it has been classified as a Variant of Uncertain Significance.

NM_014244.5(ADAMTS2):c.157G>C (p.Gly53Arg)

Gene: ADAMTS2 (ADAM metallopeptidase with thrombospondin type 1 motif 2; minus strand). Cytogenetic location: 5q35.3.
Variant type: single nucleotide variant.
Coding change: c.157G>C on transcript NM_014244.5 (MANE Select); coding-DNA position 157, G replaced by C.
Protein change: p.Gly53Arg; replaces glycine 53 with arginine.
Molecular consequence: missense variant.
Genome position (GRCh38, 1-based): chr5:179,344,144, C>G on the plus strand (G>C on the coding strand, the complement: ADAMTS2 is on the minus strand). VCF-style: chr5-179344144-C-G. GRCh37 (hg19) VCF-style: chr5-178771145-C-G.
Other names: c.157G>C, p.Gly53Arg (NM_021599.4); short protein forms G53R.
Identifiers: ClinVar variation 1506462 (VCV001506462.3), dbSNP rs1392499776, ClinGen allele CA362623472.